The following is an entry in ClinVar:

ClinVar aggregate classification (germline): Pathogenic (1 of 4 stars; one submission).

Conditions:
Autosomal recessive polycystic kidney disease (ARPKD). Also called: AR polycystic kidney disease. Identifiers: Orphanet 731, Orphanet 8378, MedGen C0085548, MeSH D017044, MONDO:0009889.

Submission:

Labcorp Genetics (formerly Invitae), Labcorp
Classification: Pathogenic for Autosomal recessive polycystic kidney disease. Last evaluated: 2022-08-04. Review status: criteria provided, single submitter. Criteria: Invitae Variant Classification Sherloc (09022015). Collection method: clinical testing. Allele origin: germline.
Comment: For these reasons, this variant has been classified as Pathogenic. This variant has not been reported in the literature in individuals affected with PKHD1-related conditions. This variant is not present in population databases (gnomAD no frequency). This sequence change creates a premature translational stop signal (p.Val2269Alafs*22) in the PKHD1 gene. It is expected to result in an absent or disrupted protein product. Loss-of-function variants in PKHD1 are known to be pathogenic (PMID: 19940839).

Literature cited by the submitters: PubMed 19940839.

NM_138694.4(PKHD1):c.6805_6806insCTAT (p.Val2269fs)

Gene: PKHD1 (PKHD1 ciliary IPT domain containing fibrocystin/polyductin; minus strand). Cytogenetic location: 6p12.2.
Variant type: Insertion.
Coding change: c.6805_6806insCTAT on transcript NM_138694.4 (MANE Select); coding-DNA positions 6805 to 6806, CTAT inserted.
Protein change: p.Val2269fs; shifts the reading frame from valine 2269.
Molecular consequence: frameshift variant.
Genome position: GRCh38 VCF-style: chr6-51906217-A-AATAG. GRCh37 (hg19) VCF-style: chr6-51771015-A-AATAG.
Other names: c.6805_6806insCTAT, p.Val2269fs (NM_170724.3); short protein forms V2269fs.
Identifiers: ClinVar variation 2021540 (VCV002021540.4), dbSNP rs2536569044, ClinGen allele CA2580075454.